The following is an entry in ClinVar:

NM_001371986.1(UNC80):c.610C>T (p.Leu204Phe)

Gene: UNC80 (unc-80 subunit of NALCN channel complex; plus strand). Cytogenetic location: 2q34.
Variant type: single nucleotide variant.
Coding change: c.610C>T on transcript NM_001371986.1 (MANE Select); coding-DNA position 610, C replaced by T.
Protein change: p.Leu204Phe; replaces leucine 204 with phenylalanine.
Molecular consequence: missense variant.
Genome position (GRCh38, 1-based): chr2:209,786,075, C>T. VCF-style: chr2-209786075-C-T. GRCh37 (hg19) VCF-style: chr2-210650799-C-T.
Other names: c.610C>T, p.Leu204Phe (NM_032504.2, NM_182587.4); short protein forms L204F.
Identifiers: ClinVar variation 1519821 (VCV001519821.7), dbSNP rs2153825221, ClinGen allele CA350131597.

ClinVar aggregate classification (germline): Uncertain significance. Review status: criteria provided, multiple submitters, no conflicts (2 of 4 stars). 2 submissions from 2 submitters: Uncertain significance (2). Last evaluated 2021-05-24.

Submissions (2):

Blueprint Genetics
Classification: Uncertain significance. Last evaluated: 2021-05-24. Review status: criteria provided, single submitter. Criteria: ACMG Guidelines, 2015. Collection method: clinical testing. Allele origin: germline.

Labcorp Genetics (formerly Invitae), Labcorp
Classification: Uncertain significance. Last evaluated: 2021-03-25. Review status: criteria provided, single submitter. Criteria: Invitae Variant Classification Sherloc (09022015). Collection method: clinical testing. Allele origin: germline.
Comment: In summary, the available evidence is currently insufficient to determine the role of this variant in disease. Therefore, it has been classified as a Variant of Uncertain Significance. Algorithms developed to predict the effect of missense changes on protein structure and function are either unavailable or do not agree on the potential impact of this missense change (SIFT: "Not Available"; PolyPhen-2: "Probably Damaging"; Align-GVGD: "Not Available"). This variant has not been reported in the literature in individuals with UNC80-related conditions. This variant is not present in population databases (ExAC no frequency). This sequence change replaces leucine with phenylalanine at codon 204 of the UNC80 protein (p.Leu204Phe). The leucine residue is moderately conserved and there is a small physicochemical difference between leucine and phenylalanine.